The following is an entry in ClinVar:

ClinVar aggregate classification (germline): Uncertain significance (1 of 4 stars; one submission).

Conditions:
Progressive sclerosing poliodystrophy (MTDPS4A). Also called: ALPERS PROGRESSIVE INFANTILE POLIODYSTROPHY; NEURONAL DEGENERATION OF CHILDHOOD WITH LIVER DISEASE, PROGRESSIVE; Alpers Syndrome; ALPERS DIFFUSE DEGENERATION OF CEREBRAL GRAY MATTER WITH HEPATIC CIRRHOSIS; Alpers-Huttenlocher Syndrome; Mitochondrial DNA depletion syndrome 4A (Alpers type). Identifiers: Orphanet 726, MedGen C0205710, MONDO:0008758, OMIM 203700.

Submission:

Labcorp Genetics (formerly Invitae), Labcorp
Classification: Uncertain significance for Progressive sclerosing poliodystrophy. Last evaluated: 2024-11-14. Review status: criteria provided, single submitter. Criteria: Invitae Variant Classification Sherloc (09022015). Collection method: clinical testing. Allele origin: germline.
Comment: This sequence change replaces aspartic acid, which is acidic and polar, with glutamic acid, which is acidic and polar, at codon 1135 of the POLG protein (p.Asp1135Glu). This variant is not present in population databases (gnomAD no frequency). This variant has not been reported in the literature in individuals affected with POLG-related conditions. Invitae Evidence Modeling of protein sequence and biophysical properties (such as structural, functional, and spatial information, amino acid conservation, physicochemical variation, residue mobility, and thermodynamic stability) indicates that this missense variant is expected to disrupt POLG protein function with a positive predictive value of 80%. In summary, the available evidence is currently insufficient to determine the role of this variant in disease. Therefore, it has been classified as a Variant of Uncertain Significance.

NM_002693.3(POLG):c.3405C>G (p.Asp1135Glu)

Gene: POLG (DNA polymerase gamma, catalytic subunit; minus strand). Cytogenetic location: 15q26.1.
Variant type: single nucleotide variant.
Coding change: c.3405C>G on transcript NM_002693.3 (MANE Select); coding-DNA position 3405, C replaced by G.
Protein change: p.Asp1135Glu; replaces aspartic acid 1135 with glutamic acid.
Molecular consequence: missense variant.
Genome position (GRCh38, 1-based): chr15:89,318,618, G>C on the plus strand (C>G on the coding strand, the complement: POLG is on the minus strand). VCF-style: chr15-89318618-G-C. GRCh37 (hg19) VCF-style: chr15-89861849-G-C.
Other names: c.3405C>G, p.Asp1135Glu (NM_001126131.2); short protein forms D1135E.
Identifiers: ClinVar variation 3636629 (VCV003636629.2).